The following is an entry in ClinVar:

NM_002641.4(PIGA):c.716-2317A>G

Gene: PIGA (phosphatidylinositol glycan anchor biosynthesis class A; minus strand). Cytogenetic location: Xp22.2.
Variant type: single nucleotide variant.
Coding change: c.716-2317A>G on transcript NM_002641.4 (MANE Select); 2317 bases into the intron before coding-DNA position 716, A replaced by G.
Molecular consequence: intron variant.
Genome position (GRCh38, 1-based): chrX:15,328,363, T>C on the plus strand (A>G on the coding strand, the complement: PIGA is on the minus strand). VCF-style: chrX-15328363-T-C. GRCh37 (hg19) VCF-style: chrX-15346485-T-C.
Other names: c.14-2317A>G (NM_020473.3).
Identifiers: ClinVar variation 3255277 (VCV003255277.2), dbSNP rs6628991.

ClinVar aggregate classification (germline): Benign (1 of 4 stars; one submission).

Allele frequency attached by ClinVar (database versions not stated): TOPMed 0.48448; 1000 Genomes Project 30x 0.53257; 1000 Genomes Project 0.53987; gnomAD exomes 0.55556.

Submission:

Unidad de Genómica Garrahan, Hospital de Pediatría Garrahan
Classification: Benign. Last evaluated: 2024-07-15. Review status: criteria provided, single submitter. Criteria: ACMG Guidelines, 2015. Collection method: clinical testing. Allele origin: germline. Affected: no. Observed: 42 variant alleles.
Comment: This variant is classified as Benign based on local population frequency. This variant was detected in 45% of patients studied in a panel designed for Epileptic and Developmental Encephalopathy and Progressive Myoclonus Epilepsy. Number of patients: 42. Only high quality variants are reported.